The following is an entry in ClinVar:

NM_144997.7(FLCN):c.561C>T (p.Pro187=)

Gene: FLCN (folliculin; minus strand). Cytogenetic location: 17p11.2.
Variant type: single nucleotide variant.
Coding change: c.561C>T on transcript NM_144997.7 (MANE Select); coding-DNA position 561, C replaced by T.
Protein change: p.Pro187=; no amino-acid change (proline 187 retained).
Molecular consequence: synonymous variant.
Genome position (GRCh38, 1-based): chr17:17,223,979, G>A on the plus strand (C>T on the coding strand, the complement: FLCN is on the minus strand). VCF-style: chr17-17223979-G-A. GRCh37 (hg19) VCF-style: chr17-17127293-G-A.
Other names: c.615C>T, p.Pro205= (NM_001353229.2); c.561C>T, p.Pro187= (NM_001353230.2, NM_001353231.2, NM_144606.7).
Identifiers: ClinVar variation 2074834 (VCV002074834.5), dbSNP rs1267713990, ClinGen allele CA498166164.

ClinVar aggregate classification (germline): Benign/Likely benign. Review status: criteria provided, multiple submitters, no conflicts (2 of 4 stars). 3 submissions from 3 submitters: Benign (1); Likely benign (2). Last evaluated 2024-10-23.

Conditions:
Birt-Hogg-Dube syndrome. Also called: Birt Hogg Dubé syndrome. Identifiers: Orphanet 122, MedGen C0346010, MONDO:0800444.
Hereditary cancer-predisposing syndrome. Also called: Tumor predisposition; Hereditary Cancer Syndrome; Hereditary neoplastic syndrome; Neoplastic Syndromes, Hereditary. Identifiers: Orphanet 140162, MedGen C0027672, MeSH D009386, MONDO:0015356.
Birt-Hogg-Dube syndrome 1 (BHD1). Also called: FIBROFOLLICULOMAS WITH TRICHODISCOMAS AND ACROCHORDONS. Identifiers: Orphanet 122, MedGen CN375946, MONDO:0800445, OMIM 135150.

Allele frequency attached by ClinVar (database versions not stated): gnomAD 0.00001; TOPMed 0.00001.
gnomAD v4.1: 1 of 1,613,516 alleles (0.000062%); highest among the groups gnomAD compares: African/African-American, 0.0013%; no homozygotes.

Submissions (3):

Myriad Genetics, Inc.
Classification: Benign for Birt-Hogg-Dube syndrome 1. Last evaluated: 2024-10-23. Review status: criteria provided, single submitter. Criteria: Myriad Autosomal Dominant, Autosomal Recessive and X-Linked Classification Criteria (2023). Collection method: clinical testing. Allele origin: unknown.
Comment: This variant is considered benign. This variant is a silent/synonymous amino acid change and it is not expected to impact splicing.

Ambry Genetics
Classification: Likely benign for Hereditary cancer-predisposing syndrome. Last evaluated: 2024-05-14. Review status: criteria provided, single submitter. Criteria: Ambry Variant Classification Scheme 2023. Collection method: clinical testing. Allele origin: germline.

Labcorp Genetics (formerly Invitae), Labcorp
Classification: Likely benign for Birt-Hogg-Dube syndrome. Last evaluated: 2023-05-24. Review status: criteria provided, single submitter. Criteria: Invitae Variant Classification Sherloc (09022015). Collection method: clinical testing. Allele origin: germline.